The following is an entry in ClinVar:

ClinVar aggregate classification (germline): Uncertain significance (1 of 4 stars; one submission).

Allele frequency attached by ClinVar (database versions not stated): TOPMed below 0.00001; gnomAD 0.00001.
gnomAD v4.1: 2 of 1,594,350 alleles (0.00013%); highest among the groups gnomAD compares: African/African-American, 0.0013%; no homozygotes.

Submission:

Labcorp Genetics (formerly Invitae), Labcorp
Classification: Uncertain significance. Last evaluated: 2022-07-29. Review status: criteria provided, single submitter. Criteria: Invitae Variant Classification Sherloc (09022015). Collection method: clinical testing. Allele origin: germline.
Comment: This sequence change replaces alanine, which is neutral and non-polar, with glycine, which is neutral and non-polar, at codon 1335 of the HSPG2 protein (p.Ala1335Gly). This variant is not present in population databases (gnomAD no frequency). This variant has not been reported in the literature in individuals affected with HSPG2-related conditions. Algorithms developed to predict the effect of missense changes on protein structure and function (SIFT, PolyPhen-2, Align-GVGD) all suggest that this variant is likely to be tolerated. In summary, the available evidence is currently insufficient to determine the role of this variant in disease. Therefore, it has been classified as a Variant of Uncertain Significance.

NM_005529.7(HSPG2):c.4004C>G (p.Ala1335Gly)

Gene: HSPG2 (heparan sulfate proteoglycan 2; minus strand). Cytogenetic location: 1p36.12.
Variant type: single nucleotide variant.
Coding change: c.4004C>G on transcript NM_005529.7 (MANE Select); coding-DNA position 4004, C replaced by G.
Protein change: p.Ala1335Gly; replaces alanine 1335 with glycine.
Molecular consequence: missense variant.
Genome position (GRCh38, 1-based): chr1:21,872,645, G>C on the plus strand (C>G on the coding strand, the complement: HSPG2 is on the minus strand). VCF-style: chr1-21872645-G-C. GRCh37 (hg19) VCF-style: chr1-22199138-G-C.
Other names: c.4007C>G, p.Ala1336Gly (NM_001291860.2); short protein forms A1335G, A1336G.
Identifiers: ClinVar variation 1714188 (VCV001714188.5), dbSNP rs776998907, ClinGen allele CA672406.